The following is an entry in ClinVar:

NM_153704.6(TMEM67):c.1663A>G (p.Ile555Val)

Gene: TMEM67 (transmembrane protein 67; plus strand). Cytogenetic location: 8q22.1.
Variant type: single nucleotide variant.
Coding change: c.1663A>G on transcript NM_153704.6 (MANE Select); coding-DNA position 1663, A replaced by G.
Protein change: p.Ile555Val; replaces isoleucine 555 with valine.
Molecular consequence: missense variant. On other transcripts: non-coding transcript variant (1).
Genome position (GRCh38, 1-based): chr8:93,793,285, A>G. VCF-style: chr8-93793285-A-G. GRCh37 (hg19) VCF-style: chr8-94805513-A-G.
Other names: c.1420A>G, p.Ile474Val (NM_001142301.1); short protein forms I555V, I474V.
Identifiers: ClinVar variation 4979968 (VCV004979968.1).

ClinVar aggregate classification (germline): Uncertain significance (1 of 4 stars; one submission).

Conditions:
TMEM67-related disorder. Also called: TMEM67-related condition; TMEM67-related disorders. Identifiers: MedGen CN239423.

Submission:

PreventionGenetics, part of Exact Sciences
Classification: Uncertain significance for TMEM67-related condition. Last evaluated: 2025-12-09. Review status: criteria provided, single submitter. Criteria: ACMG Guidelines, 2015. Collection method: clinical testing. Allele origin: germline.
Comment: The TMEM67 c.1663A>G variant is predicted to result in the amino acid substitution p.Ile555Val. To our knowledge, this variant has not been reported in the literature or in a large population database (gnomAD), indicating this variant is rare. At this time, the clinical significance of this variant is uncertain due to the absence of conclusive functional and genetic evidence.